The following is an entry in ClinVar:

ClinVar aggregate classification (germline): Likely benign. Review status: criteria provided, single submitter (1 of 4 stars). 2 submissions from 2 submitters: Likely benign (1). 1 of the submissions does not count toward it. Last evaluated 2023-12-11.

Conditions:
TRAIP-related disorder. Also called: TRAIP-related condition.

Allele frequency attached by ClinVar (database versions not stated): gnomAD 0.00001; gnomAD exomes 0.00001; ExAC 0.00002.
gnomAD v4.1: 15 of 1,614,022 alleles (0.00093%); highest among the groups gnomAD compares: Middle Eastern, 0.016%; no homozygotes.

Submissions (2):

Labcorp Genetics (formerly Invitae), Labcorp
Classification: Likely benign. Last evaluated: 2023-12-11. Review status: criteria provided, single submitter. Criteria: Invitae Variant Classification Sherloc (09022015). Collection method: clinical testing. Allele origin: germline.

PreventionGenetics, part of Exact Sciences
Classification: Likely benign for TRAIP-related condition. Last evaluated: 2019-02-26. Review status: no assertion criteria provided. Collection method: clinical testing. Allele origin: germline. Not counted in ClinVar's aggregate classification.
Comment: This variant is classified as likely benign based on ACMG/AMP sequence variant interpretation guidelines (Richards et al. 2015 PMID: 25741868, with internal and published modifications).

NM_005879.3(TRAIP):c.1260C>T (p.Leu420=)

Gene: TRAIP (TRAF interacting protein; minus strand). Cytogenetic location: 3p21.31.
Variant type: single nucleotide variant.
Coding change: c.1260C>T on transcript NM_005879.3 (MANE Select); coding-DNA position 1260, C replaced by T.
Protein change: p.Leu420=; no amino-acid change (leucine 420 retained).
Molecular consequence: synonymous variant.
Genome position (GRCh38, 1-based): chr3:49,829,485, G>A on the plus strand (C>T on the coding strand, the complement: TRAIP is on the minus strand). VCF-style: chr3-49829485-G-A. GRCh37 (hg19) VCF-style: chr3-49866918-G-A.
Other names: c.1260C>T (NM_005879.2).
Identifiers: ClinVar variation 2181642 (VCV002181642.6), dbSNP rs778129131, ClinGen allele CA2407551.